The following is an entry in ClinVar:

NM_000843.4(GRM6):c.878G>A (p.Arg293His)

Gene: GRM6 (glutamate metabotropic receptor 6; minus strand). Cytogenetic location: 5q35.3.
Variant type: single nucleotide variant.
Coding change: c.878G>A on transcript NM_000843.4 (MANE Select); coding-DNA position 878, G replaced by A.
Protein change: p.Arg293His; replaces arginine 293 with histidine.
Molecular consequence: missense variant.
Genome position (GRCh38, 1-based): chr5:178,990,726, C>T on the plus strand (G>A on the coding strand, the complement: GRM6 is on the minus strand). VCF-style: chr5-178990726-C-T. GRCh37 (hg19) VCF-style: chr5-178417727-C-T.
Other names: short protein forms R293H.
Identifiers: ClinVar variation 1917656 (VCV001917656.4), dbSNP rs753889215, ClinGen allele CA3594311.
Genomic context (GRCh38, chr5:178,990,726, plus strand): 5'-GTCTTGGCTCCCCAGCTGTCTGAGCCGACCCACAGGAAGTGGCCGGTCAGGTTGGCCTGG[C>T]GAGCTGCCTCCAGGACCCGCCTGGTAGGAGCAGGGCTGGGGTGAGGGAGGGCCTGGGAGC-3'
Protein context (NP_000834.2, residues 283-303): DDIRRVLEAA[Arg293His]QANLTGHFLW

ClinVar aggregate classification (germline): Uncertain significance (1 of 4 stars; one submission).

Allele frequency attached by ClinVar (database versions not stated): gnomAD 0.00002; TOPMed 0.00002.
gnomAD v4.1: 22 of 1,575,098 alleles (0.0014%); highest among the groups gnomAD compares: Non-Finnish European, 0.0015%; no homozygotes.

Submission:

Labcorp Genetics (formerly Invitae), Labcorp
Classification: Uncertain significance. Last evaluated: 2022-08-21. Review status: criteria provided, single submitter. Criteria: Invitae Variant Classification Sherloc (09022015). Collection method: clinical testing. Allele origin: germline.
Comment: In summary, the available evidence is currently insufficient to determine the role of this variant in disease. Therefore, it has been classified as a Variant of Uncertain Significance. Advanced modeling of protein sequence and biophysical properties (such as structural, functional, and spatial information, amino acid conservation, physicochemical variation, residue mobility, and thermodynamic stability) performed at Invitae indicates that this missense variant is not expected to disrupt GRM6 protein function. This variant has not been reported in the literature in individuals affected with GRM6-related conditions. The frequency data for this variant in the population databases is considered unreliable, as metrics indicate poor data quality at this position in the gnomAD database. This sequence change replaces arginine, which is basic and polar, with histidine, which is basic and polar, at codon 293 of the GRM6 protein (p.Arg293His).